The following is an entry in ClinVar:

ClinVar aggregate classification (germline): Pathogenic (1 of 4 stars; one submission).

Conditions:
Oligodontia-cancer predisposition syndrome. Also called: TOOTH AGENESIS-COLORECTAL CANCER SYNDROME. Identifiers: Orphanet 300576, MedGen C1837750, MONDO:0012075, OMIM 608615. Disease mechanism: loss of function.

Submission:

Labcorp Genetics (formerly Invitae), Labcorp
Classification: Pathogenic for Oligodontia-cancer predisposition syndrome. Last evaluated: 2022-09-22. Review status: criteria provided, single submitter. Criteria: Invitae Variant Classification Sherloc (09022015). Collection method: clinical testing. Allele origin: germline.
Comment: For these reasons, this variant has been classified as Pathogenic. This sequence change creates a premature translational stop signal (p.Ser180Valfs*15) in the AXIN2 gene. It is expected to result in an absent or disrupted protein product. Loss-of-function variants in AXIN2 are known to be pathogenic (PMID: 15042511, 21416598). This variant is not present in population databases (gnomAD no frequency). This variant has not been reported in the literature in individuals affected with AXIN2-related conditions.

Literature cited by the submitters: PubMed 15042511; PubMed 21416598.

NM_004655.4(AXIN2):c.537dup (p.Ser180fs)

Gene: AXIN2 (axin 2; minus strand). Cytogenetic location: 17q24.1.
Variant type: Duplication.
Coding change: c.537dup on transcript NM_004655.4 (MANE Select); coding-DNA position 537, one base duplicated (G; older notation c.537dupG).
Protein change: p.Ser180fs; shifts the reading frame from serine 180.
Molecular consequence: frameshift variant.
Genome position (GRCh38, 1-based): chr17:65,558,084, C duplicated on the plus strand (G on the coding strand, the reverse complement: AXIN2 is on the minus strand). VCF-style (leftmost placement, unchanged base first): chr17-65558083-A-AC. GRCh37 (hg19) VCF-style: chr17-63554201-A-AC.
Other names: c.537dup, p.Ser180fs (NM_001363813.1); short protein forms S180fs.
Identifiers: ClinVar variation 2031859 (VCV002031859.4), dbSNP rs2544249780, ClinGen allele CA2580095107.